The following is an entry in ClinVar:

NM_003632.3(CNTNAP1):c.662A>G (p.Asp221Gly)

Gene: CNTNAP1 (contactin associated protein 1; plus strand). Cytogenetic location: 17q21.2.
Variant type: single nucleotide variant.
Coding change: c.662A>G on transcript NM_003632.3 (MANE Select); coding-DNA position 662, A replaced by G.
Protein change: p.Asp221Gly; replaces aspartic acid 221 with glycine.
Molecular consequence: missense variant.
Genome position (GRCh38, 1-based): chr17:42,685,367, A>G. VCF-style: chr17-42685367-A-G. GRCh37 (hg19) VCF-style: chr17-40837385-A-G.
Other names: short protein forms D221G.
Identifiers: ClinVar variation 3898957 (VCV003898957.1).

ClinVar aggregate classification (germline): Uncertain significance (1 of 4 stars; one submission).

gnomAD v4.1: 2 of 1,607,720 alleles (0.00012%); highest among the groups gnomAD compares: East Asian, 0.0022%; no homozygotes.

Submission:

GeneDx
Classification: Uncertain significance. Last evaluated: 2024-11-08. Review status: criteria provided, single submitter. Criteria: GeneDx Variant Classification Process June 2021. Collection method: clinical testing. Allele origin: germline. Affected: yes.
Comment: Not observed at significant frequency in large population cohorts (gnomAD); In silico analysis supports that this missense variant has a deleterious effect on protein structure/function; Has not been previously published as pathogenic or benign to our knowledge